The following is an entry in ClinVar:

ClinVar aggregate classification (germline): Benign/Likely benign. Review status: criteria provided, multiple submitters, no conflicts (2 of 4 stars). 13 submissions from 13 submitters: Benign (9); Likely benign (1). 3 of the submissions do not count toward it. Last evaluated 2026-02-03.

Conditions:
Hereditary breast ovarian cancer syndrome. Also called: Breast and ovarian cancer; Hereditary breast and/or ovarian cancer syndrome; Hereditary breast and ovarian cancer syndrome (HBOC); Hereditary breast and ovarian cancer; BRCA1- and BRCA2-Associated Hereditary Breast and Ovarian Cancer; Hereditary breast and ovarian cancer syndrome. Identifiers: Orphanet 145, MedGen C0677776, MeSH D061325, MONDO:0003582. Disease mechanism: loss of function.
Familial cancer of breast. Also called: Hereditary breast cancer; hereditary breast carcinoma; BREAST CANCER, FAMILIAL. Identifiers: Orphanet 227535, MedGen C0346153, MONDO:0016419, OMIM 114480. Disease mechanism: loss of function.
Hereditary cancer-predisposing syndrome. Also called: Hereditary neoplastic syndrome; Neoplastic Syndromes, Hereditary; Hereditary Cancer Syndrome; Tumor predisposition. Identifiers: Orphanet 140162, MedGen C0027672, MeSH D009386, MONDO:0015356.
Ataxia-telangiectasia syndrome (AT). Also called: LOUIS-BAR SYNDROME; Ataxia-telangiectasia, complementation group D; AT, COMPLEMENTATION GROUP C; ATAXIA-TELANGIECTASIA, COMPLEMENTATION GROUP A; ATAXIA-TELANGIECTASIA, FRESNO VARIANT; Ataxia-telangiectasia. Identifiers: Orphanet 100, MedGen C0004135, MONDO:0008840, OMIM 208900.

Allele frequency attached by ClinVar (database versions not stated): gnomAD exomes 0.00035 and 0.00088; ExAC 0.00117; 1000 Genomes Project 0.00339; 1000 Genomes Project 30x 0.00375; gnomAD 0.00383 and 0.00414; ESP Exome Variant Server 0.00415; TOPMed 0.00442.
gnomAD v4.1: 1,078 of 1,561,330 alleles (0.069%); highest among the groups gnomAD compares: African/African-American, 1.3%; 10 homozygotes.

Submissions (13):

Labcorp Genetics (formerly Invitae), Labcorp
Classification: Benign for Ataxia-telangiectasia syndrome. Last evaluated: 2026-02-03. Review status: criteria provided, single submitter. Criteria: Invitae Variant Classification Sherloc (09022015). Collection method: clinical testing. Allele origin: germline.

CeGaT Center for Human Genetics Tuebingen
Classification: Likely benign. Last evaluated: 2025-09-01. Review status: criteria provided, single submitter. Criteria: CeGaT Center For Human Genetics Tuebingen Variant Classification Criteria Version 2. Collection method: clinical testing. Allele origin: germline. Affected: yes. Observed: 8 variant alleles.
Comment: ATM: BS1

ARUP Laboratories, Molecular Genetics and Genomics, ARUP Laboratories
Classification: Benign. Last evaluated: 2025-06-04. Review status: criteria provided, single submitter. Criteria: ARUP Molecular Germline Variant Investigation Process 2024. Collection method: clinical testing. Allele origin: germline.

Center for Genomic Medicine, Rigshospitalet, Copenhagen University Hospital
Classification: Benign. Last evaluated: 2025-03-04. Review status: criteria provided, single submitter. Criteria: ACMG Guidelines, 2015. Collection method: clinical testing. Allele origin: germline.

KCCC/NGS Laboratory, Kuwait Cancer Control Center
Classification: Benign for Familial cancer of breast. Last evaluated: 2023-07-07. Review status: criteria provided, single submitter. Criteria: ACMG Guidelines, 2015. Collection method: clinical testing. Allele origin: germline. Affected: yes.

National Health Laboratory Service, Universitas Academic Hospital and University of the Free State
Classification: Benign for Hereditary breast ovarian cancer syndrome. Last evaluated: 2022-04-19. Review status: criteria provided, single submitter. Criteria: ACMG Guidelines, 2015. Collection method: clinical testing. Allele origin: germline. Affected: yes. Observed: 1 variant allele.

PreventionGenetics, part of Exact Sciences
Classification: Benign. Last evaluated: 2017-01-06. Review status: criteria provided, single submitter. Criteria: ACMG Guidelines, 2015. Collection method: clinical testing. Allele origin: germline.

Color Diagnostics, LLC DBA Color Health
Classification: Benign for Hereditary cancer-predisposing syndrome. Last evaluated: 2015-09-22. Review status: criteria provided, single submitter. Criteria: ACMG Guidelines, 2015. Collection method: clinical testing. Allele origin: germline.

GeneDx
Classification: Benign. Last evaluated: 2015-03-03. Review status: criteria provided, single submitter. Criteria: GeneDx Variant Classification Process June 2021. Collection method: clinical testing. Allele origin: germline. Affected: yes.

Breakthrough Genomics
Classification: Benign. Review status: criteria provided, single submitter. Criteria: ACMG Guidelines, 2015. Collection method: not provided. Allele origin: germline. Inheritance: Autosomal recessive inheritance. Affected: yes.

Clinical Genetics, Academic Medical Center
Classification: Benign. Review status: no assertion criteria provided. Collection method: clinical testing. Allele origin: germline. Affected: yes. Study: VKGL Data-share Consensus. Not counted in ClinVar's aggregate classification.

Genome Diagnostics Laboratory, Amsterdam University Medical Center
Classification: Benign. Review status: no assertion criteria provided. Collection method: clinical testing. Allele origin: germline. Affected: yes. Study: VKGL Data-share Consensus. Not counted in ClinVar's aggregate classification.

Genome Diagnostics Laboratory, University Medical Center Utrecht
Classification: Benign. Review status: no assertion criteria provided. Collection method: clinical testing. Allele origin: germline. Affected: yes. Study: VKGL Data-share Consensus. Not counted in ClinVar's aggregate classification.

NM_000051.4(ATM):c.5005+18G>A

Gene: ATM (ATM serine/threonine kinase; plus strand). Cytogenetic location: 11q22.3.
Variant type: single nucleotide variant.
Coding change: c.5005+18G>A on transcript NM_000051.4 (MANE Select); 18 bases into the intron after coding-DNA position 5005, G replaced by A.
Molecular consequence: intron variant.
Genome position (GRCh38, 1-based): chr11:108,297,400, G>A. VCF-style: chr11-108297400-G-A. GRCh37 (hg19) VCF-style: chr11-108168127-G-A.
Other names: c.5005+18G>A (NM_001351834.2).
Identifiers: ClinVar variation 490600 (VCV000490600.58), dbSNP rs76290788, ClinGen allele CA6265600.